The following is an entry in ClinVar:

ClinVar aggregate classification (germline): Benign (1 of 4 stars; one submission).

Allele frequency attached by ClinVar (database versions not stated): gnomAD exomes 0.10749; gnomAD 0.12213 and 0.12717; TOPMed 0.13461; 1000 Genomes Project 30x 0.19800; 1000 Genomes Project 0.20128.
gnomAD v4.1: 21,013 of 168,238 alleles (12%); highest among the groups gnomAD compares: East Asian, 32%; 1,642 homozygotes.

Submission:

GeneDx
Classification: Benign. Last evaluated: 2018-06-19. Review status: criteria provided, single submitter. Criteria: GeneDx Variant Classification (06012015). Collection method: clinical testing. Allele origin: germline. Affected: yes.
Comment: This variant is considered likely benign or benign based on one or more of the following criteria: it is a conservative change, it occurs at a poorly conserved position in the protein, it is predicted to be benign by multiple in silico algorithms, and/or has population frequency not consistent with disease.

NM_001127222.2(CACNA1A):c.1669-346G>A

Gene: CACNA1A (calcium voltage-gated channel subunit alpha1 A; minus strand). Cytogenetic location: 19p13.13.
Variant type: single nucleotide variant.
Coding change: c.1669-346G>A on transcript NM_001127222.2 (MANE Select); 346 bases into the intron before coding-DNA position 1669, G replaced by A.
Molecular consequence: intron variant.
Genome position (GRCh38, 1-based): chr19:13,308,874, C>T on the plus strand (G>A on the coding strand, the complement: CACNA1A is on the minus strand). VCF-style: chr19-13308874-C-T. GRCh37 (hg19) VCF-style: chr19-13419688-C-T.
Other names: c.1672-346G>A (NM_001127221.2, NM_001174080.2, NM_000068.4 and 1 more transcripts).
Identifiers: ClinVar variation 668776 (VCV000668776.1), dbSNP rs72995527, ClinGen allele CA15959629.
Genomic context (GRCh38, chr19:13,308,874, plus strand): 5'-TTACAGGTGTGCCCCACCACATCTGGCTAATTTTAAAACATTTTTATAGAGATAGTGTCT[C>T]GCTAGTATTGCCCAGGCTGGCCTCAAACTTCTGGGCTGAAGCCATCCTCCTGCTTTGGTC-3'